The following is an entry in ClinVar:

ClinVar aggregate classification (germline): Uncertain significance (1 of 4 stars; one submission).

gnomAD v4.1: 70 of 1,613,572 alleles (0.0043%); highest among the groups gnomAD compares: Non-Finnish European, 0.0057%; no homozygotes.

Submission:

Labcorp Genetics (formerly Invitae), Labcorp
Classification: Uncertain significance. Last evaluated: 2025-02-10. Review status: criteria provided, single submitter. Criteria: Invitae Variant Classification Sherloc (09022015). Collection method: clinical testing. Allele origin: germline.
Comment: This sequence change replaces asparagine, which is neutral and polar, with isoleucine, which is neutral and non-polar, at codon 901 of the KANK1 protein (p.Asn901Ile). This variant is present in population databases (rs12352313, gnomAD 0.004%). This variant has not been reported in the literature in individuals affected with KANK1-related conditions. ClinVar contains an entry for this variant (Variation ID: 2894207). Invitae Evidence Modeling of protein sequence and biophysical properties (such as structural, functional, and spatial information, amino acid conservation, physicochemical variation, residue mobility, and thermodynamic stability) indicates that this missense variant is not expected to disrupt KANK1 protein function with a negative predictive value of 80%. In summary, the available evidence is currently insufficient to determine the role of this variant in disease. Therefore, it has been classified as a Variant of Uncertain Significance.

NM_015158.5(KANK1):c.2702A>T (p.Asn901Ile)

Gene: KANK1 (KN motif and ankyrin repeat domains 1; plus strand). Cytogenetic location: 9p24.3.
Variant type: single nucleotide variant.
Coding change: c.2702A>T on transcript NM_015158.5 (MANE Select); coding-DNA position 2702, A replaced by T.
Protein change: p.Asn901Ile; replaces asparagine 901 with isoleucine.
Molecular consequence: missense variant. On other transcripts: non-coding transcript variant (1).
Genome position (GRCh38, 1-based): chr9:730,054, A>T. VCF-style: chr9-730054-A-T. GRCh37 (hg19) VCF-style: chr9-730054-A-T.
Other names: c.2702A>T, p.Asn901Ile (NM_001256877.3, NM_001354331.2, NM_001354332.2 and 2 more transcripts); c.2228A>T, p.Asn743Ile (NM_001354333.2, NM_001354335.2, NM_001354336.2 and 9 more transcripts); short protein forms N743I, N901I.
Identifiers: ClinVar variation 2894207 (VCV002894207.3), dbSNP rs12352313, ClinGen allele CA4960599.